The following is an entry in ClinVar:

ClinVar aggregate classification (germline): Likely benign. Review status: criteria provided, multiple submitters, no conflicts (2 of 4 stars). 2 submissions from 2 submitters: Likely benign (2). Last evaluated 2025-02-02.

Conditions:
Inborn genetic diseases. Identifiers: MedGen C0950123, MeSH D030342.

gnomAD v4.1: 20 of 1,612,890 alleles (0.0012%); highest among the groups gnomAD compares: Non-Finnish European, 0.0016%; no homozygotes.

Submissions (2):

Ambry Genetics
Classification: Likely benign for Inborn genetic diseases. Last evaluated: 2025-02-02. Review status: criteria provided, single submitter. Criteria: Ambry Variant Classification Scheme 2023. Collection method: clinical testing. Allele origin: germline.

Mayo Clinic Laboratories, Mayo Clinic
Classification: Likely benign. Last evaluated: 2024-12-04. Review status: criteria provided, single submitter. Criteria: ACMG Guidelines, 2015. Collection method: clinical testing. Allele origin: germline. Observed: 1 variant allele.
Comment: BP4, BP7

NM_014915.3(ANKRD26):c.4602A>G (p.Glu1534=)

Gene: ANKRD26 (ankyrin repeat domain 26; minus strand). Cytogenetic location: 10p12.1.
Variant type: single nucleotide variant.
Coding change: c.4602A>G on transcript NM_014915.3 (MANE Select); coding-DNA position 4602, A replaced by G.
Protein change: p.Glu1534=; no amino-acid change (glutamic acid 1534 retained).
Molecular consequence: synonymous variant.
Genome position (GRCh38, 1-based): chr10:27,014,616, T>C on the plus strand (A>G on the coding strand, the complement: ANKRD26 is on the minus strand). VCF-style: chr10-27014616-T-C. GRCh37 (hg19) VCF-style: chr10-27303545-T-C.
Other names: p.Glu1534=; c.4599A>G, p.Glu1533= (NM_001256053.2).
Identifiers: ClinVar variation 3867775 (VCV003867775.2).